The following is an entry in ClinVar:

ClinVar aggregate classification (germline): Likely pathogenic (1 of 4 stars; one submission).

Conditions:
Cardiomyopathy, familial hypertrophic 27. Identifiers: MedGen C4748014, MONDO:0054838, OMIM 618052.

Submission:

3billion
Classification: Likely pathogenic for Cardiomyopathy, familial hypertrophic 27. Last evaluated: 2024-03-13. Review status: criteria provided, single submitter. Criteria: ACMG Guidelines, 2015. Collection method: clinical testing. Allele origin: germline. Affected: yes.
Comment: The variant is not observed in the gnomAD v2.1.1 dataset. Predicted Consequence/Location: Frameshift: predicted to result in a loss or disruption of normal protein function through nonsense-mediated decay (NMD) or protein truncation. Multiple pathogenic variants are reported downstream of the variant. Therefore, this variant is classified as Likely pathogenic according to the recommendation of ACMG/AMP guideline.

NM_020778.5(ALPK3):c.4198dup (p.Asp1400fs)

Gene: ALPK3 (alpha kinase 3; plus strand). Cytogenetic location: 15q25.3.
Variant type: Duplication.
Coding change: c.4198dup on transcript NM_020778.5 (MANE Select); coding-DNA position 4198, one base duplicated (G; older notation c.4198dupG).
Protein change: p.Asp1400fs; shifts the reading frame from aspartic acid 1400.
Molecular consequence: frameshift variant.
Genome position (GRCh38, 1-based): chr15:84,862,703, G duplicated; the last of 6 consecutive G bases (chr15:84,862,698-84,862,703); duplicating any one gives the same sequence. VCF-style (leftmost placement, unchanged base first): chr15-84862697-T-TG. GRCh37 (hg19) VCF-style: chr15-85405928-T-TG.
Other names: short protein forms D1400fs.
Identifiers: ClinVar variation 3775896 (VCV003775896.1).
Genomic context (GRCh38, chr15:84,862,697, plus strand): 5'-GGAGAAGAGATTGAGATGACCCCTATGGTGTTTGCTAAGGGTCTGGCTGACTCTGGCTGC[T>TG]GGGGGGACAAGCTCTTTGGGCGACTGGTAAGCGAGGAGCTCCGAGGGGGTGGATATGGGT-3'